The following is an entry in ClinVar:

NM_003331.5(TYK2):c.2909-152T>C

Gene: TYK2 (tyrosine kinase 2; minus strand). Cytogenetic location: 19p13.2.
Variant type: single nucleotide variant.
Coding change: c.2909-152T>C on transcript NM_003331.5 (MANE Select); 152 bases into the intron before coding-DNA position 2909, T replaced by C.
Molecular consequence: intron variant.
Genome position (GRCh38, 1-based): chr19:10,353,798, A>G on the plus strand (T>C on the coding strand, the complement: TYK2 is on the minus strand). VCF-style: chr19-10353798-A-G. GRCh37 (hg19) VCF-style: chr19-10464474-A-G.
Identifiers: ClinVar variation 677761 (VCV000677761.2), dbSNP rs12720321, ClinGen allele CA305194069.

ClinVar aggregate classification (germline): Likely benign. Review status: criteria provided, multiple submitters, no conflicts (2 of 4 stars). 2 submissions from 2 submitters: Likely benign (2). Last evaluated 2018-06-19.

Allele frequency attached by ClinVar (database versions not stated): gnomAD exomes 0.00060; gnomAD 0.00543 and 0.00580; TOPMed 0.00649; 1000 Genomes Project 0.00719; 1000 Genomes Project 30x 0.00812.
gnomAD v4.1: 1,168 of 686,684 alleles (0.17%); highest among the groups gnomAD compares: African/African-American, 1.9%; 17 homozygotes.

Submissions (2):

GeneDx
Classification: Likely benign. Last evaluated: 2018-06-19. Review status: criteria provided, single submitter. Criteria: GeneDx Variant Classification (06012015). Collection method: clinical testing. Allele origin: germline. Affected: yes.
Comment: This variant is considered likely benign or benign based on one or more of the following criteria: it is a conservative change, it occurs at a poorly conserved position in the protein, it is predicted to be benign by multiple in silico algorithms, and/or has population frequency not consistent with disease.

Breakthrough Genomics
Classification: Likely benign. Review status: criteria provided, single submitter. Criteria: ACMG Guidelines, 2015. Collection method: not provided. Allele origin: germline. Inheritance: Autosomal recessive inheritance. Affected: yes.